The following is an entry in ClinVar:

ClinVar aggregate classification (germline): Uncertain significance (1 of 4 stars; one submission).

gnomAD v4.1: 8 of 1,613,860 alleles (0.0005%); highest among the groups gnomAD compares: Middle Eastern, 0.066%; no homozygotes.

Submission:

Labcorp Genetics (formerly Invitae), Labcorp
Classification: Uncertain significance. Last evaluated: 2026-01-23. Review status: criteria provided, single submitter. Criteria: Invitae Variant Classification Sherloc (09022015). Collection method: clinical testing. Allele origin: germline.
Comment: This sequence change replaces proline, which is neutral and non-polar, with leucine, which is neutral and non-polar, at codon 1458 of the LRP6 protein (p.Pro1458Leu). This variant is present in population databases (no rsID available, gnomAD 0.0009%). This variant has not been reported in the literature in individuals affected with LRP6-related conditions. Invitae Evidence Modeling of protein sequence and biophysical properties (such as structural, functional, and spatial information, amino acid conservation, physicochemical variation, residue mobility, and thermodynamic stability) indicates that this missense variant is not expected to disrupt LRP6 protein function with a negative predictive value of 80%. In summary, the available evidence is currently insufficient to determine the role of this variant in disease. Therefore, it has been classified as a Variant of Uncertain Significance.

NM_002336.3(LRP6):c.4373C>T (p.Pro1458Leu)

Gene: LRP6 (LDL receptor related protein 6; minus strand). Cytogenetic location: 12p13.2.
Variant type: single nucleotide variant.
Coding change: c.4373C>T on transcript NM_002336.3 (MANE Select); coding-DNA position 4373, C replaced by T.
Protein change: p.Pro1458Leu; replaces proline 1458 with leucine.
Molecular consequence: missense variant. On other transcripts: non-coding transcript variant (1).
Genome position (GRCh38, 1-based): chr12:12,125,372, G>A on the plus strand (C>T on the coding strand, the complement: LRP6 is on the minus strand). VCF-style: chr12-12125372-G-A. GRCh37 (hg19) VCF-style: chr12-12278306-G-A.
Other names: c.4466C>T, p.Pro1489Leu (NM_001414244.1); c.4373C>T, p.Pro1458Leu (NM_001414245.1, NM_001414248.1, NM_001414249.1 and 1 more transcripts); c.4238C>T, p.Pro1413Leu (NM_001414246.1); c.4175C>T, p.Pro1392Leu (NM_001414247.1); c.4010C>T, p.Pro1337Leu (NM_001414251.1); c.3920C>T, p.Pro1307Leu (NM_001414252.1, NM_001414253.1, NM_001414254.1); c.3866C>T, p.Pro1289Leu (NM_001414255.1); short protein forms P1413L, P1307L, P1392L, P1289L, P1337L, P1458L, P1489L.
Identifiers: ClinVar variation 4700196 (VCV004700196.1).